The following is an entry in ClinVar:

ClinVar aggregate classification (germline): Uncertain significance (1 of 4 stars; one submission).

gnomAD v4.1: 10 of 1,611,846 alleles (0.00062%); highest among the groups gnomAD compares: East Asian, 0.0089%; no homozygotes.

Submission:

Labcorp Genetics (formerly Invitae), Labcorp
Classification: Uncertain significance. Last evaluated: 2025-09-08. Review status: criteria provided, single submitter. Criteria: Invitae Variant Classification Sherloc (09022015). Collection method: clinical testing. Allele origin: germline.
Comment: This sequence change replaces arginine, which is basic and polar, with histidine, which is basic and polar, at codon 2267 of the FBN3 protein (p.Arg2267His). The frequency data for this variant in the population databases is considered unreliable, as metrics indicate poor data quality at this position in the gnomAD database. This variant has not been reported in the literature in individuals affected with FBN3-related conditions. ClinVar contains an entry for this variant (Variation ID: 1922598). Invitae Evidence Modeling of protein sequence and biophysical properties (such as structural, functional, and spatial information, amino acid conservation, physicochemical variation, residue mobility, and thermodynamic stability) indicates that this missense variant is not expected to disrupt FBN3 protein function with a negative predictive value of 80%. In summary, the available evidence is currently insufficient to determine the role of this variant in disease. Therefore, it has been classified as a Variant of Uncertain Significance.

NM_032447.5(FBN3):c.6800G>A (p.Arg2267His)

Gene: FBN3 (fibrillin 3; minus strand). Cytogenetic location: 19p13.2.
Variant type: single nucleotide variant.
Coding change: c.6800G>A on transcript NM_032447.5 (MANE Select); coding-DNA position 6800, G replaced by A.
Protein change: p.Arg2267His; replaces arginine 2267 with histidine.
Molecular consequence: missense variant.
Genome position (GRCh38, 1-based): chr19:8,086,280, C>T on the plus strand (G>A on the coding strand, the complement: FBN3 is on the minus strand). VCF-style: chr19-8086280-C-T. GRCh37 (hg19) VCF-style: chr19-8151164-C-T.
Other names: c.6800G>A, p.Arg2267His (NM_001321431.2); short protein forms R2267H.
Identifiers: ClinVar variation 1922598 (VCV001922598.5), dbSNP rs1205708353, ClinGen allele CA403710466.
Genomic context (GRCh38, chr19:8,086,280, plus strand): 5'-GGGCTGGGCTGGAATCCCTCATCACAGTCGCACCGGAAGCTGCCCGCGGTGTTGACACAG[C>T]GGCCGTTGACACAGAGGTCAGGCTGAGCGTGGCATTCATTGTCATCTGAGATGGGAGGGG-3'
Protein context (NP_115823.3, residues 2257-2277): HAQPDLCVNG[Arg2267His]CVNTAGSFRC